The following is an entry in ClinVar:

NM_019066.5(MAGEL2):c.2941C>T (p.Leu981Phe)

Gene: MAGEL2 (MAGE family member L2; minus strand). Cytogenetic location: 15q11.2.
Variant type: single nucleotide variant.
Coding change: c.2941C>T on transcript NM_019066.5 (MANE Select); coding-DNA position 2941, C replaced by T.
Protein change: p.Leu981Phe; replaces leucine 981 with phenylalanine.
Molecular consequence: missense variant.
Genome position (GRCh38, 1-based): chr15:23,644,802, G>A on the plus strand (C>T on the coding strand, the complement: MAGEL2 is on the minus strand). VCF-style: chr15-23644802-G-A. GRCh37 (hg19) VCF-style: chr15-23889949-G-A.
Other names: short protein forms L981F.
Identifiers: ClinVar variation 2786992 (VCV002786992.4), dbSNP rs1490794039, ClinGen allele CA391326847.

ClinVar aggregate classification (germline): Uncertain significance. Review status: criteria provided, multiple submitters, no conflicts (2 of 4 stars). 2 submissions from 2 submitters: Uncertain significance (2). Last evaluated 2025-02-23.

Conditions:
Schaaf-Yang syndrome (SHFYNG). Also called: MAGEL2-related Prader-Willi-like syndrome; Arthrogryposis, distal, with hypopituitarism, intellectual disability, and facial anomalies. Identifiers: Orphanet 398069, MedGen C5575066, MONDO:0014243, OMIM 615547.

Allele frequency attached by ClinVar (database versions not stated): TOPMed below 0.00001.

Submissions (2):

Labcorp Genetics (formerly Invitae), Labcorp
Classification: Uncertain significance. Last evaluated: 2025-02-23. Review status: criteria provided, single submitter. Criteria: Invitae Variant Classification Sherloc (09022015). Collection method: clinical testing. Allele origin: germline.
Comment: This sequence change replaces leucine, which is neutral and non-polar, with phenylalanine, which is neutral and non-polar, at codon 981 of the MAGEL2 protein (p.Leu981Phe). This variant is not present in population databases (gnomAD no frequency). This variant has not been reported in the literature in individuals affected with MAGEL2-related conditions. ClinVar contains an entry for this variant (Variation ID: 2786992). Invitae Evidence Modeling of protein sequence and biophysical properties (such as structural, functional, and spatial information, amino acid conservation, physicochemical variation, residue mobility, and thermodynamic stability) indicates that this missense variant is not expected to disrupt MAGEL2 protein function with a negative predictive value of 80%. In summary, the available evidence is currently insufficient to determine the role of this variant in disease. Therefore, it has been classified as a Variant of Uncertain Significance.

Institute of Human Genetics, University Hospital of Duesseldorf
Classification: Uncertain significance for Schaaf-Yang syndrome. Review status: criteria provided, single submitter. Criteria: ACMG Guidelines, 2015. Collection method: not provided. Allele origin: germline. Inheritance: Autosomal dominant inheritance. Affected: yes.